The following is an entry in ClinVar:

ClinVar aggregate classification (germline): Pathogenic (1 of 4 stars; one submission).

Submission:

Labcorp Genetics (formerly Invitae), Labcorp
Classification: Pathogenic. Last evaluated: 2021-08-23. Review status: criteria provided, single submitter. Criteria: Invitae Variant Classification Sherloc (09022015). Collection method: clinical testing. Allele origin: germline.
Comment: This sequence change creates a premature translational stop signal (p.Ala912Glyfs*19) in the ABCB11 gene. It is expected to result in an absent or disrupted protein product. Loss-of-function variants in ABCB11 are known to be pathogenic (PMID: 18395098, 20232290). This variant is not present in population databases (ExAC no frequency). This variant has not been reported in the literature in individuals affected with ABCB11-related conditions. For these reasons, this variant has been classified as Pathogenic.

Literature cited by the submitters: PubMed 18395098; PubMed 20232290.

NM_003742.4(ABCB11):c.2729dup (p.Ala912fs)

Genes: ABCB11 (ATP binding cassette subfamily B member 11; minus strand), LOC126806400 (CDK7 strongly-dependent group 2 enhancer GRCh37_chr2:169791870-169793069; plus strand). Cytogenetic location: 2q31.1.
Variant type: Duplication.
Coding change: c.2729dup on transcript NM_003742.4 (MANE Select); coding-DNA position 2729, one base duplicated (T; older notation c.2729dupT).
Protein change: p.Ala912fs; shifts the reading frame from alanine 912.
Molecular consequence: frameshift variant.
Genome position (GRCh38, 1-based): chr2:168,936,315, A duplicated on the plus strand (T on the coding strand, the reverse complement: ABCB11 is on the minus strand); the first of 2 consecutive A bases (chr2:168,936,315-168,936,316); duplicating either gives the same sequence. VCF-style (leftmost placement, unchanged base first): chr2-168936314-G-GA. GRCh37 (hg19) VCF-style: chr2-169792824-G-GA.
Other names: short protein forms A912fs.
Identifiers: ClinVar variation 1459126 (VCV001459126.6), dbSNP rs2105899026, ClinGen allele CA2573133569.